The following is an entry in ClinVar:

ClinVar aggregate classification (germline): Benign (1 of 4 stars; one submission).

Submission:

CeGaT Center for Human Genetics Tuebingen
Classification: Benign. Last evaluated: 2022-09-01. Review status: criteria provided, single submitter. Criteria: CeGaT Center For Human Genetics Tuebingen Variant Classification Criteria Version 2. Collection method: clinical testing. Allele origin: germline. Affected: yes. Observed: 1 variant allele.
Comment: RAD54B: BS1, BS2

NM_012415.3(RAD54B):c.500-7_500-3del

Gene: RAD54B (RAD54 homolog B; minus strand). Cytogenetic location: 8q22.1.
Variant type: Microsatellite.
Coding change: c.500-7_500-3del on transcript NM_012415.3 (MANE Select); 7 bases into the intron before coding-DNA position 500 through 3 bases into the intron before coding-DNA position 500, 5 bases deleted (CTTAA; older notation c.500-7_500-3delCTTAA).
Molecular consequence: intron variant.
Genome position (GRCh38, 1-based): chr8:94,407,723-94,407,727, TTAAG deleted on the plus strand (CTTAA on the coding strand, the reverse complement: RAD54B is on the minus strand); deleting any 5 consecutive bases within chr8:94,407,723-94,407,732 gives the same sequence; the c. name uses the placement nearest the transcript's 3' end. VCF-style (leftmost placement, unchanged base first): chr8-94407722-TTTAAG-T. GRCh37 (hg19) VCF-style: chr8-95419950-TTTAAG-T.
Other names: c.-53-7_-53-3del (NM_001205263.2).
Identifiers: ClinVar variation 2658694 (VCV002658694.24), dbSNP rs551206157, ClinGen allele CA4810457.
Genomic context (GRCh38, chr8:94,407,722, plus strand): 5'-AATCATCAGTGTTTGGCCCTCTTCAATCTTTTCAAGCTCTTTGAATTTATAACCAATGCC[TTTAAG>T]TTAAGAAAGAAAAAAATTAATTGACACTCTATGATACCACGGTCACCTTCCCGTAACTGT-3'